The following is an entry in ClinVar:

ClinVar aggregate classification (germline): Pathogenic (1 of 4 stars; one submission).

Conditions:
Charcot-Marie-Tooth disease type 2. Also called: Charcot-Marie-Tooth type 2. Identifiers: Orphanet 64746, MedGen C0270914, MONDO:0018993.

Allele frequency attached by ClinVar (database versions not stated): gnomAD 0.00001; TOPMed below 0.00001.

Submission:

Labcorp Genetics (formerly Invitae), Labcorp
Classification: Pathogenic for Charcot-Marie-Tooth disease type 2. Last evaluated: 2025-02-24. Review status: criteria provided, single submitter. Criteria: Invitae Variant Classification Sherloc (09022015). Collection method: clinical testing. Allele origin: germline.
Comment: This sequence change creates a premature translational stop signal (p.Arg840*) in the AARS gene. It is expected to result in an absent or disrupted protein product. Loss-of-function variants in AARS are known to be pathogenic (PMID: 25817015, 28493438, 34446925). This variant is not present in population databases (gnomAD no frequency). This variant has not been reported in the literature in individuals affected with AARS-related conditions. ClinVar contains an entry for this variant (Variation ID: 1682115). For these reasons, this variant has been classified as Pathogenic.

Literature cited by the submitters: PubMed 25817015; PubMed 28493438; PubMed 34446925.

NM_001605.3(AARS1):c.2518C>T (p.Arg840Ter)

Gene: AARS1 (alanyl-tRNA synthetase 1; minus strand). Cytogenetic location: 16q22.1.
Variant type: single nucleotide variant.
Coding change: c.2518C>T on transcript NM_001605.3 (MANE Select); coding-DNA position 2518, C replaced by T.
Protein change: p.Arg840Ter; replaces arginine 840 with a stop codon.
Molecular consequence: nonsense.
Genome position (GRCh38, 1-based): chr16:70,253,921, G>A on the plus strand (C>T on the coding strand, the complement: AARS1 is on the minus strand). VCF-style: chr16-70253921-G-A. GRCh37 (hg19) VCF-style: chr16-70287824-G-A.
Other names: short protein forms R840*.
Identifiers: ClinVar variation 1682115 (VCV001682115.6), dbSNP rs1173826571, ClinGen allele CA396555139.